The following is an entry in ClinVar:

ClinVar aggregate classification (germline): Uncertain significance (1 of 4 stars; one submission).

Submission:

Women's Health and Genetics/Laboratory Corporation of America, LabCorp
Classification: Uncertain significance. Last evaluated: 2023-04-11. Review status: criteria provided, single submitter. Criteria: LabCorp Variant Classification Summary - May 2015. Collection method: clinical testing. Allele origin: germline.
Comment: Variant summary: MMAA c.748G>A (p.Glu250Lys) results in a conservative amino acid change in the encoded protein sequence. Four of five in-silico tools predict a damaging effect of the variant on protein function. The variant was absent in 251448 control chromosomes (gnomAD). c.748G>A has been reported in the literature in at least one homozygous individual affected with Methylmalonic Acidemia (Dempsey-Nunez_2012). These data indicate that the variant may be associated with disease. At least one biochemical study reports this variant results in decreased functional association with MUT by reducing GTPase activity stimulation upon incubation with MUT (Plessl_2017). No clinical diagnostic laboratories have submitted clinical-significance assessments for this variant to ClinVar after 2014. Based on the evidence outlined above, the variant was classified as VUS-possibly pathogenic.

Literature cited by the submitters: PubMed 23026888; PubMed 28497574.

NM_172250.3(MMAA):c.748G>A (p.Glu250Lys)

Gene: MMAA (metabolism of cobalamin associated A; plus strand). Cytogenetic location: 4q31.21.
Variant type: single nucleotide variant.
Coding change: c.748G>A on transcript NM_172250.3 (MANE Select); coding-DNA position 748, G replaced by A.
Protein change: p.Glu250Lys; replaces glutamic acid 250 with lysine.
Molecular consequence: missense variant.
Genome position (GRCh38, 1-based): chr4:145,651,076, G>A. VCF-style: chr4-145651076-G-A. GRCh37 (hg19) VCF-style: chr4-146572228-G-A.
Other names: c.748G>A, p.Glu250Lys (NM_001375644.1); c.748G>A (NM_172250.2); short protein forms E250K.
Identifiers: ClinVar variation 2503866 (VCV002503866.1), dbSNP rs2546342889, ClinGen allele CA358341368.
Genomic context (GRCh38, chr4:145,651,076, plus strand): 5'-AATAATGGTGAGTATTTTAGGATATAGTTGTGATTTACAATTTCAGGTGTGGGTCAGTCG[G>A]AGTTTGCTGTTGCTGACATGGTTGACATGTTTGTTTTACTACTGCCACCAGCAGGAGGAG-3'
Protein context (NP_758454.1, residues 240-260): LIETVGVGQS[Glu250Lys]FAVADMVDMF